The following is an entry in ClinVar:

NM_003482.4(KMT2D):c.7054C>A (p.Pro2352Thr)

Gene: KMT2D (lysine methyltransferase 2D; minus strand). Cytogenetic location: 12q13.12.
Variant type: single nucleotide variant.
Coding change: c.7054C>A on transcript NM_003482.4 (MANE Select); coding-DNA position 7054, C replaced by A.
Protein change: p.Pro2352Thr; replaces proline 2352 with threonine.
Molecular consequence: missense variant.
Genome position (GRCh38, 1-based): chr12:49,040,716, G>T on the plus strand (C>A on the coding strand, the complement: KMT2D is on the minus strand). VCF-style: chr12-49040716-G-T. GRCh37 (hg19) VCF-style: chr12-49434499-G-T.
Other names: short protein forms P2352T.
Identifiers: ClinVar variation 2905540 (VCV002905540.4), dbSNP rs774568547, ClinGen allele CA6547130.

ClinVar aggregate classification (germline): Conflicting classifications of pathogenicity. Review status: criteria provided, conflicting classifications (1 of 4 stars). 2 submissions from 2 submitters: Uncertain significance (1); Benign (1). Last evaluated 2025-03-19.

Conditions:
Kabuki syndrome. Also called: Kabuki make-up syndrome; NIIKAWA-KUROKI SYNDROME. Identifiers: Orphanet 2322, MedGen C0796004, MONDO:0016512.
KMT2D-related disorder. Also called: KMT2D-Related Disorders.

Allele frequency attached by ClinVar (database versions not stated): gnomAD exomes 0.00001; TOPMed 0.00001; ExAC 0.00003.
gnomAD v4.1: 3 of 1,613,696 alleles (0.00019%); highest among the groups gnomAD compares: Admixed American, 0.005%; no homozygotes.

Submissions (2):

PreventionGenetics, part of Exact Sciences
Classification: Uncertain significance for KMT2D-related condition. Last evaluated: 2025-03-19. Review status: criteria provided, single submitter. Criteria: ACMG Guidelines, 2015. Collection method: clinical testing. Allele origin: germline.
Comment: The KMT2D c.7054C>A variant is predicted to result in the amino acid substitution p.Pro2352Thr. To our knowledge, this variant has not been reported in the literature. This variant is reported in 0.012% of alleles in individuals of Latino descent in gnomAD. At this time, the clinical significance of this variant is uncertain due to the absence of conclusive functional and genetic evidence.

Labcorp Genetics (formerly Invitae), Labcorp
Classification: Benign for Kabuki syndrome. Last evaluated: 2023-05-15. Review status: criteria provided, single submitter. Criteria: Invitae Variant Classification Sherloc (09022015). Collection method: clinical testing. Allele origin: germline.